The following is an entry in ClinVar:

ClinVar aggregate classification (germline): Uncertain significance (1 of 4 stars; one submission).

gnomAD v4.1: 9 of 1,614,026 alleles (0.00056%); highest among the groups gnomAD compares: Non-Finnish European, 0.00076%; no homozygotes.

Submission:

Dasa
Classification: Uncertain significance. Last evaluated: 2026-07-04. Review status: criteria provided, single submitter. Criteria: DASA Assertion Criteria. Collection method: clinical testing. Allele origin: germline.
Comment: NM_001330288.2(SMARCC2):c.1609A>G (p.Thr537Ala) is a missense variant that results in the substitution of threonine with alanine. This variant is rare in population databases. The currently available literature and clinical evidence are not sufficient to establish a definitive association between this variant and the reported condition. Therefore, this variant is classified as a variant of uncertain significance.

NM_001330288.2(SMARCC2):c.1609A>G (p.Thr537Ala)

Gene: SMARCC2 (SWI/SNF related BAF chromatin remodeling complex subunit C2; minus strand). Cytogenetic location: 12q13.2.
Variant type: single nucleotide variant.
Coding change: c.1609A>G on transcript NM_001330288.2 (MANE Select); coding-DNA position 1609, A replaced by G.
Protein change: p.Thr537Ala; replaces threonine 537 with alanine.
Molecular consequence: missense variant.
Genome position (GRCh38, 1-based): chr12:56,173,737, T>C on the plus strand (A>G on the coding strand, the complement: SMARCC2 is on the minus strand). VCF-style: chr12-56173737-T-C. GRCh37 (hg19) VCF-style: chr12-56567521-T-C.
Other names: c.1609A>G, p.Thr537Ala (NM_001130420.3, NM_003075.5, NM_139067.4); short protein forms T537A.
Identifiers: ClinVar variation 5020250 (VCV005020250.1).